The following is an entry in ClinVar:

NM_170606.3(KMT2C):c.1925A>G (p.Gln642Arg)

Gene: KMT2C (lysine methyltransferase 2C; minus strand). Cytogenetic location: 7q36.1.
Variant type: single nucleotide variant.
Coding change: c.1925A>G on transcript NM_170606.3 (MANE Select); coding-DNA position 1925, A replaced by G.
Protein change: p.Gln642Arg; replaces glutamine 642 with arginine.
Molecular consequence: missense variant.
Genome position (GRCh38, 1-based): chr7:152,248,509, T>C on the plus strand (A>G on the coding strand, the complement: KMT2C is on the minus strand). VCF-style: chr7-152248509-T-C. GRCh37 (hg19) VCF-style: chr7-151945594-T-C.
Other names: short protein forms Q642R.
Identifiers: ClinVar variation 2658239 (VCV002658239.24), dbSNP rs777320861, ClinGen allele CA4581341.

ClinVar aggregate classification (germline): Likely benign (1 of 4 stars; one submission).

Allele frequency attached by ClinVar (database versions not stated): gnomAD exomes below 0.00001; TOPMed below 0.00001; gnomAD 0.00001; ExAC 0.00002.
gnomAD v4.1: 6 of 1,613,924 alleles (0.00037%); highest among the groups gnomAD compares: Non-Finnish European, 0.00051%; no homozygotes.

Submission:

CeGaT Center for Human Genetics Tuebingen
Classification: Likely benign. Last evaluated: 2023-03-01. Review status: criteria provided, single submitter. Criteria: CeGaT Center For Human Genetics Tuebingen Variant Classification Criteria Version 2. Collection method: clinical testing. Allele origin: germline. Affected: yes. Observed: 1 variant allele.
Comment: KMT2C: BP4